The following is an entry in ClinVar:

ClinVar aggregate classification (germline): Uncertain significance. Review status: criteria provided, multiple submitters, no conflicts (2 of 4 stars). 4 submissions from 4 submitters: Uncertain significance (4). Last evaluated 2026-02-04.

Conditions:
Inborn genetic diseases. Identifiers: MedGen C0950123, MeSH D030342.
Developmental and epileptic encephalopathy, 23 (DEE23). Also called: Epileptic encephalopathy, early infantile, 23. Identifiers: Orphanet 411986, MedGen C4014492, MONDO:0014371, OMIM 615859.

Allele frequency attached by ClinVar (database versions not stated): gnomAD exomes 0.00006 and 0.00007; TOPMed 0.00007; ExAC 0.00009; gnomAD 0.00011 and 0.00012.

Submissions (4):

GeneDx
Classification: Uncertain significance. Last evaluated: 2026-02-04. Review status: criteria provided, single submitter. Criteria: GeneDx Variant Classification Process June 2021. Collection method: clinical testing. Allele origin: germline.
Comment: Not observed at significant frequency in large population cohorts (gnomAD); In silico analysis supports that this missense variant has a deleterious effect on protein structure/function; This variant is associated with the following publications: (PMID: 27149842, Kozhanova_2017)

Labcorp Genetics (formerly Invitae), Labcorp
Classification: Uncertain significance for Developmental and epileptic encephalopathy, 23. Last evaluated: 2026-01-26. Review status: criteria provided, single submitter. Criteria: Invitae Variant Classification Sherloc (09022015). Collection method: clinical testing. Allele origin: germline.
Comment: This sequence change replaces proline, which is neutral and non-polar, with leucine, which is neutral and non-polar, at codon 2074 of the DOCK7 protein (p.Pro2074Leu). This variant is present in population databases (rs753509954, gnomAD 0.01%). This variant has not been reported in the literature in individuals affected with DOCK7-related conditions. ClinVar contains an entry for this variant (Variation ID: 475166). Invitae Evidence Modeling of protein sequence and biophysical properties (such as structural, functional, and spatial information, amino acid conservation, physicochemical variation, residue mobility, and thermodynamic stability) indicates that this missense variant is not expected to disrupt DOCK7 protein function with a negative predictive value of 80%. In summary, the available evidence is currently insufficient to determine the role of this variant in disease. Therefore, it has been classified as a Variant of Uncertain Significance.

Ambry Genetics
Classification: Uncertain significance for Inborn genetic diseases. Last evaluated: 2025-01-02. Review status: criteria provided, single submitter. Criteria: Ambry Variant Classification Scheme 2023. Collection method: clinical testing. Allele origin: germline.

Blueprint Genetics
Classification: Uncertain significance. Last evaluated: 2024-07-16. Review status: criteria provided, single submitter. Criteria: ACMG Guidelines, 2015. Collection method: clinical testing. Allele origin: germline.

NM_001367561.1(DOCK7):c.6254C>T (p.Pro2085Leu)

Gene: DOCK7 (dedicator of cytokinesis 7; minus strand). Cytogenetic location: 1p31.3.
Variant type: single nucleotide variant.
Coding change: c.6254C>T on transcript NM_001367561.1 (MANE Select); coding-DNA position 6254, C replaced by T.
Protein change: p.Pro2085Leu; replaces proline 2085 with leucine.
Molecular consequence: missense variant.
Genome position (GRCh38, 1-based): chr1:62,457,664, G>A on the plus strand (C>T on the coding strand, the complement: DOCK7 is on the minus strand). VCF-style: chr1-62457664-G-A. GRCh37 (hg19) VCF-style: chr1-62923335-G-A.
Other names: c.6221C>T, p.Pro2074Leu (NM_001271999.2); c.6134C>T, p.Pro2045Leu (NM_001272000.2); c.6128C>T, p.Pro2043Leu (NM_001272001.2); c.6227C>T, p.Pro2076Leu (NM_001330614.2); c.6161C>T, p.Pro2054Leu (NM_033407.4); c.6161C>T (NM_033407.2); short protein forms P2054L, P2074L, P2085L, P2043L, P2076L, P2045L.
Identifiers: ClinVar variation 475166 (VCV000475166.12), dbSNP rs753509954, ClinGen allele CA885251.